The following is an entry in ClinVar:

ClinVar aggregate classification (germline): Uncertain significance (1 of 4 stars; one submission).

Submission:

Labcorp Genetics (formerly Invitae), Labcorp
Classification: Uncertain significance. Last evaluated: 2024-12-24. Review status: criteria provided, single submitter. Criteria: Invitae Variant Classification Sherloc (09022015). Collection method: clinical testing. Allele origin: germline.
Comment: This sequence change replaces proline, which is neutral and non-polar, with leucine, which is neutral and non-polar, at codon 941 of the BRD4 protein (p.Pro941Leu). This variant is not present in population databases (gnomAD no frequency). This variant has not been reported in the literature in individuals affected with BRD4-related conditions. An algorithm developed to predict the effect of missense changes on protein structure and function (PolyPhen-2) suggests that this variant is likely to be disruptive. In summary, the available evidence is currently insufficient to determine the role of this variant in disease. Therefore, it has been classified as a Variant of Uncertain Significance.

NM_001379291.1(BRD4):c.2822C>T (p.Pro941Leu)

Gene: BRD4 (bromodomain containing 4; minus strand). Cytogenetic location: 19p13.12.
Variant type: single nucleotide variant.
Coding change: c.2822C>T on transcript NM_001379291.1 (MANE Select); coding-DNA position 2822, C replaced by T.
Protein change: p.Pro941Leu; replaces proline 941 with leucine.
Molecular consequence: missense variant.
Genome position (GRCh38, 1-based): chr19:15,243,247, G>A on the plus strand (C>T on the coding strand, the complement: BRD4 is on the minus strand). VCF-style: chr19-15243247-G-A. GRCh37 (hg19) VCF-style: chr19-15354058-G-A.
Other names: c.2822C>T, p.Pro941Leu (NM_058243.3); short protein forms P941L.
Identifiers: ClinVar variation 3680215 (VCV003680215.2).